The following is an entry in ClinVar:

ClinVar aggregate classification (germline): Uncertain significance. Review status: criteria provided, multiple submitters, no conflicts (2 of 4 stars). 4 submissions from 4 submitters: Uncertain significance (4). Last evaluated 2024-10-22.

Conditions:
Hawkinsinuria. Identifiers: Orphanet 2118, MedGen C2931042, MONDO:0007700, OMIM 140350, HP:0034457.
Tyrosinemia type III. Also called: 4-HYDROXYPHENYLPYRUVIC ACID OXIDASE DEFICIENCY; Tyrosinemia type 3; 4-alpha hydroxyphenylpyruvic acid oxidase deficiency; 4-alpha hydroxyphenylpyruvate dioxygenase deficiency; 4-Hydroxyphenylpyruvate dioxygenase deficiency. Identifiers: Orphanet 69723, MedGen C0268623, MONDO:0010162, OMIM 276710.

Allele frequency attached by ClinVar (database versions not stated): ExAC 0.00008; ESP Exome Variant Server 0.00008; gnomAD 0.00008 and 0.00009; TOPMed 0.00009; gnomAD exomes 0.00012.

Submissions (4):

Labcorp Genetics (formerly Invitae), Labcorp
Classification: Uncertain significance for Tyrosinemia type III; Hawkinsinuria. Last evaluated: 2024-10-22. Review status: criteria provided, single submitter. Criteria: Invitae Variant Classification Sherloc (09022015). Collection method: clinical testing. Allele origin: germline.
Comment: This sequence change replaces arginine, which is basic and polar, with glutamine, which is neutral and polar, at codon 119 of the HPD protein (p.Arg119Gln). This variant is present in population databases (rs149180825, gnomAD 0.2%). This variant has not been reported in the literature in individuals affected with HPD-related conditions. ClinVar contains an entry for this variant (Variation ID: 1042401). Invitae Evidence Modeling of protein sequence and biophysical properties (such as structural, functional, and spatial information, amino acid conservation, physicochemical variation, residue mobility, and thermodynamic stability) indicates that this missense variant is not expected to disrupt HPD protein function with a negative predictive value of 80%. In summary, the available evidence is currently insufficient to determine the role of this variant in disease. Therefore, it has been classified as a Variant of Uncertain Significance.

Fulgent Genetics
Classification: Uncertain significance for Hawkinsinuria; Tyrosinemia type III. Last evaluated: 2021-09-30. Review status: criteria provided, single submitter. Criteria: ACMG Guidelines, 2015. Collection method: clinical testing. Allele origin: unknown.

GeneDx
Classification: Uncertain significance. Last evaluated: 2020-02-24. Review status: criteria provided, single submitter. Criteria: GeneDx Variant Classification Process June 2021. Collection method: clinical testing. Allele origin: germline. Affected: yes.
Comment: In silico analysis supports that this missense variant does not alter protein structure/function; Has not been previously published as pathogenic or benign to our knowledge

Breakthrough Genomics
Classification: Uncertain significance. Review status: criteria provided, single submitter. Criteria: ACMG Guidelines, 2015. Collection method: not provided. Allele origin: germline. Inheritance: Autosomal recessive inheritance. Affected: yes.

NM_002150.3(HPD):c.356G>A (p.Arg119Gln)

Genes: HPD (4-hydroxyphenylpyruvate dioxygenase; minus strand), TIALD (transcript inducer of AURKA lysosomal degradation; plus strand). Cytogenetic location: 12q24.31.
Variant type: single nucleotide variant.
Coding change: c.356G>A on transcript NM_002150.3 (MANE Select); coding-DNA position 356, G replaced by A.
Protein change: p.Arg119Gln; replaces arginine 119 with glutamine.
Molecular consequence: missense variant.
Genome position (GRCh38, 1-based): chr12:121,854,761, C>T on the plus strand (G>A on the coding strand, the complement: HPD is on the minus strand). VCF-style: chr12-121854761-C-T. GRCh37 (hg19) VCF-style: chr12-122292667-C-T.
Other names: c.239G>A, p.Arg80Gln (NM_001171993.2); short protein forms R80Q, R119Q.
Identifiers: ClinVar variation 1042401 (VCV001042401.11), dbSNP rs149180825, ClinGen allele CA6839687.